The following is an entry in ClinVar:

NM_206933.4(USH2A):c.1972-11A>G

Gene: USH2A (usherin; minus strand). Cytogenetic location: 1q41.
Variant type: single nucleotide variant.
Coding change: c.1972-11A>G on transcript NM_206933.4 (MANE Select); 11 bases into the intron before coding-DNA position 1972, A replaced by G.
Molecular consequence: intron variant.
Genome position (GRCh38, 1-based): chr1:216,251,109, T>C on the plus strand (A>G on the coding strand, the complement: USH2A is on the minus strand). VCF-style: chr1-216251109-T-C. GRCh37 (hg19) VCF-style: chr1-216424451-T-C.
Other names: c.1972-11A>G (NM_007123.6).
Identifiers: ClinVar variation 3767746 (VCV003767746.1).

ClinVar aggregate classification (germline): Uncertain significance (1 of 4 stars; one submission).

Submission:

GeneDx
Classification: Uncertain significance. Last evaluated: 2024-09-06. Review status: criteria provided, single submitter. Criteria: GeneDx Variant Classification Process June 2021. Collection method: clinical testing. Allele origin: germline. Affected: yes.
Comment: Not observed at significant frequency in large population cohorts (gnomAD); In silico analysis indicates that this variant does not alter splicing; Has not been previously published as pathogenic or benign to our knowledge